The following is an entry in ClinVar:

NM_001482.3(GATM):c.288+20A>G

Gene: GATM (glycine amidinotransferase; minus strand). Cytogenetic location: 15q21.1.
Variant type: single nucleotide variant.
Coding change: c.288+20A>G on transcript NM_001482.3 (MANE Select); 20 bases into the intron after coding-DNA position 288, A replaced by G.
Molecular consequence: intron variant.
Genome position (GRCh38, 1-based): chr15:45,376,581, T>C on the plus strand (A>G on the coding strand, the complement: GATM is on the minus strand). VCF-style: chr15-45376581-T-C. GRCh37 (hg19) VCF-style: chr15-45668779-T-C.
Other names: c.-100+20A>G (NM_001321015.2).
Identifiers: ClinVar variation 379150 (VCV000379150.3), dbSNP rs1057520509, ClinGen allele CA16606680.

ClinVar aggregate classification (germline): Likely benign. Review status: criteria provided, multiple submitters, no conflicts (2 of 4 stars). 2 submissions from 2 submitters: Likely benign (2). Last evaluated 2024-02-25.

Conditions:
Arginine:glycine amidinotransferase deficiency (CCDS3). Also called: AGAT deficiency; Creatine deficiency syndrome due to AGAT deficiency; GATM deficiency; Cerebral creatine deficiency syndrome 3; L-Arginine:Glycine Amidinotransferase Deficiency; L-Arginine:Glycine Amidinotransferase (AGAT) Deficiency. Identifiers: Orphanet 35704, MedGen C2675179, MONDO:0012996, OMIM 612718.

Allele frequency attached by ClinVar (database versions not stated): gnomAD exomes below 0.00001.
gnomAD v4.1: 1 of 1,610,766 alleles (0.000062%); highest among the groups gnomAD compares: South Asian, 0.0011%; no homozygotes.

Submissions (2):

Labcorp Genetics (formerly Invitae), Labcorp
Classification: Likely benign for Arginine:glycine amidinotransferase deficiency. Last evaluated: 2024-02-25. Review status: criteria provided, single submitter. Criteria: Invitae Variant Classification Sherloc (09022015). Collection method: clinical testing. Allele origin: germline.

GeneDx
Classification: Likely benign. Last evaluated: 2016-06-06. Review status: criteria provided, single submitter. Criteria: GeneDx Variant Classification (06012015). Collection method: clinical testing. Allele origin: germline. Affected: yes.
Comment: This variant is considered likely benign or benign based on one or more of the following criteria: it is a conservative change, it occurs at a poorly conserved position in the protein, it is predicted to be benign by multiple in silico algorithms, and/or has population frequency not consistent with disease.